The following is an entry in ClinVar:

ClinVar aggregate classification (germline): Uncertain significance (1 of 4 stars; one submission).

Conditions:
Hereditary cancer-predisposing syndrome. Also called: Neoplastic Syndromes, Hereditary; Tumor predisposition; Hereditary Cancer Syndrome; Hereditary neoplastic syndrome. Identifiers: Orphanet 140162, MedGen C0027672, MeSH D009386, MONDO:0015356.

Submission:

Ambry Genetics
Classification: Uncertain significance for Hereditary cancer-predisposing syndrome. Last evaluated: 2024-08-14. Review status: criteria provided, single submitter. Criteria: Ambry Variant Classification Scheme 2023. Collection method: clinical testing. Allele origin: germline.
Comment: The c.1866_1871delGAGTTCinsTCG variant (also known as p.M622_S624delinsIR), located in coding exon 11 of the PMS2 gene, results from an in-frame deletion of GAGTTC and insertion of TCG at nucleotide positions 1866 to 1871. This results in the substitution of three residues (MSS) for an isoleucine and arginine residue (IR) at codons 622 to 624. This amino acid region is not well conserved in available vertebrate species. In addition, this alteration is predicted to be deleterious by in silico analysis (Choi Y et al. PLoS ONE. 2012; 7(10):e46688). Based on the available evidence, the clinical significance of this variant remains unclear.

NM_000535.7(PMS2):c.1866_1871delinsTCG (p.Met622_Ser624delinsIleArg)

Gene: PMS2 (PMS1 homolog 2, mismatch repair system component; minus strand). Cytogenetic location: 7p22.1.
Variant type: Indel.
Coding change: c.1866_1871delinsTCG on transcript NM_000535.7 (MANE Select); coding-DNA positions 1866 to 1871, GAGTTC replaced by TCG.
Protein change: p.Met622_Ser624delinsIleArg.
Molecular consequence: inframe indel. On other transcripts: non-coding transcript variant (1), intron variant (1).
Genome position (GRCh38, 1-based): chr7:5,986,894-5,986,899, GAACTC replaced by CGA on the plus strand (GAGTTC replaced by TCG on the coding strand, the reverse complement: PMS2 is on the minus strand). VCF-style: chr7-5986894-GAACTC-CGA. GRCh37 (hg19) VCF-style: chr7-6026525-GAACTC-CGA.
Other names: c.1710_1715delinsTCG, p.Met570_Ser572delinsIleArg (NM_001322006.2, NM_001406870.1); c.1461_1466delGAGTTCinsTCG, p.Met487_Ser489delinsIleArg (NM_001018040.1); c.1461_1466delinsTCG, p.Met487_Ser489delinsIleArg (NM_001322003.2, NM_001322004.2, NM_001322005.2 and 16 more transcripts); c.1548_1553delinsTCG, p.Met516_Ser518delinsIleArg (NM_001322007.2, NM_001322008.2, NM_001406876.1 and 2 more transcripts); c.1305_1310delinsTCG, p.Met435_Ser437delinsIleArg (NM_001322010.2, NM_001406906.1, NM_001406907.1); c.933_938delinsTCG, p.Met311_Ser313delinsIleArg (NM_001322011.2, NM_001322012.2); c.1293_1298delinsTCG, p.Met431_Ser433delinsIleArg (NM_001322013.2, NM_001406909.1); c.1866_1871delinsTCG, p.Met622_Ser624delinsIleArg (NM_001322014.2, NM_001406871.1, NM_001406872.1); and 14 more.
Identifiers: ClinVar variation 3421479 (VCV003421479.1).